The following is an entry in ClinVar:

NM_000937.5(POLR2A):c.4774A>G (p.Ser1592Gly)

Gene: POLR2A (RNA polymerase II subunit A; plus strand). Cytogenetic location: 17p13.1.
Variant type: single nucleotide variant.
Coding change: c.4774A>G on transcript NM_000937.5 (MANE Select); coding-DNA position 4774, A replaced by G.
Protein change: p.Ser1592Gly; replaces serine 1592 with glycine.
Molecular consequence: missense variant.
Genome position (GRCh38, 1-based): chr17:7,513,038, A>G. VCF-style: chr17-7513038-A-G. GRCh37 (hg19) VCF-style: chr17-7416357-A-G.
Other names: short protein forms S1592G.
Identifiers: ClinVar variation 3365170 (VCV003365170.1).

ClinVar aggregate classification (germline): Uncertain significance (1 of 4 stars; one submission).

Submission:

GeneDx
Classification: Uncertain significance. Last evaluated: 2023-11-30. Review status: criteria provided, single submitter. Criteria: GeneDx Variant Classification Process June 2021. Collection method: clinical testing. Allele origin: germline. Affected: yes.
Comment: Not observed at significant frequency in large population cohorts (gnomAD); In silico analysis supports that this missense variant has a deleterious effect on protein structure/function; Has not been previously published as pathogenic or benign to our knowledge